The following is an entry in ClinVar:

ClinVar aggregate classification (germline): Pathogenic/Likely pathogenic. Review status: criteria provided, multiple submitters, no conflicts (2 of 4 stars). 3 submissions from 3 submitters: Pathogenic (2); Likely pathogenic (1). Last evaluated 2025-02-02.

Conditions:
Juvenile polyposis syndrome (JPS). Identifiers: Orphanet 2929, MedGen C0345893, MONDO:0017380, OMIM 174900.
Familial thoracic aortic aneurysm and aortic dissection (TAAD). Also called: Thoracic aortic aneurysms and dissections. Identifiers: Orphanet 91387, MedGen C4707243, MONDO:0019625.
Hereditary cancer-predisposing syndrome. Also called: Tumor predisposition; Neoplastic Syndromes, Hereditary; Hereditary Cancer Syndrome; Hereditary neoplastic syndrome. Identifiers: Orphanet 140162, MedGen C0027672, MeSH D009386, MONDO:0015356.

Submissions (3):

Molecular Diagnostics Laboratory, Catalan Institute of Oncology
Classification: Likely pathogenic for Hereditary cancer-predisposing syndrome. Last evaluated: 2025-02-02. Review status: criteria provided, single submitter. Criteria: ACMG Guidelines, 2015. Collection method: clinical testing. Allele origin: germline.
Comment: PVS1, PM2_Supporting c.1198del, located in exon 10 of the SMAD4 gene, consists in the deletion of one nucleotide, causing a translational frameshift with a predicted alternate stop codon, p.(Arg400Glyfs*15). This alteration is expected to result in loss of function by premature protein truncation and nonsense-mediated mRNA decay (PVS1). It is not present in the population database gnomAD v2.1.1, non cancer dataset (PM2_supporting). The SpliceAI algorithm predicts no significant impact on splicing. To our knowledge, functional studies have not been reported for this variant. In addition, it has been reported in ClinVar (2x as pathogenic) but has not been identified in LOVD database. Based on currently available information, the variant c.1198del is classified as a likely pathogenic variant according to according to ACMG guidelines.

Labcorp Genetics (formerly Invitae), Labcorp
Classification: Pathogenic for Juvenile polyposis syndrome. Last evaluated: 2016-08-16. Review status: criteria provided, single submitter. Criteria: Invitae Variant Classification Sherloc (09022015). Collection method: clinical testing. Allele origin: germline.
Comment: While this particular variant has not been reported in the literature, truncating variants in SMAD4 are known to be pathogenic (PMID: 22810475, 16152648). This sequence change deletes 1 nucleotide from exon 10 of the SMAD4 mRNA (c.1198delA), causing a frameshift at codon 400. This creates a premature translational stop signal (p.Arg400Glyfs*15) and is expected to result in an absent or disrupted protein product. For these reasons, this variant has been classified as Pathogenic.

Ambry Genetics
Classification: Pathogenic for Hereditary cancer-predisposing syndrome; Familial thoracic aortic aneurysm and aortic dissection. Last evaluated: 2016-08-05. Review status: criteria provided, single submitter. Criteria: Ambry Variant Classification Scheme 2023. Collection method: clinical testing. Allele origin: germline.
Comment: The c.1198delA pathogenic mutation, located in coding exon 9 of the SMAD4 gene, results from a deletion of one nucleotide at position 1198, causing a translational frameshift with a predicted alternate stop codon. This alteration is expected to result in loss of function by premature protein truncation or nonsense-mediated mRNA decay. As such, this alteration is interpreted as a disease-causing mutation.

Literature cited by the submitters: PubMed 22810475 (cited by Labcorp Genetics (formerly Invitae), Labcorp); PubMed 16152648 (cited by Labcorp Genetics (formerly Invitae), Labcorp).

NM_005359.6(SMAD4):c.1198del (p.Arg400fs)

Gene: SMAD4 (SMAD family member 4; plus strand). Cytogenetic location: 18q21.2.
Variant type: Deletion.
Coding change: c.1198del on transcript NM_005359.6 (MANE Select); coding-DNA position 1198, one base deleted (A; older notation c.1198delA).
Protein change: p.Arg400fs; shifts the reading frame from arginine 400.
Molecular consequence: frameshift variant.
Genome position (GRCh38, 1-based): chr18:51,067,077, A deleted. VCF-style (leftmost placement, unchanged base first): chr18-51067076-CA-C. GRCh37 (hg19) VCF-style: chr18-48593446-CA-C.
Other names: c.1198delA (NM_005359.5); short protein forms R400fs.
Identifiers: ClinVar variation 405491 (VCV000405491.51), dbSNP rs1060500734, ClinGen allele CA16615798.
Genomic context (GRCh38, chr18:51,067,076, plus strand): 5'-AAGGTTGCACATAGGCAAAGGTGTGCAGTTGGAATGTAAAGGTGAAGGTGATGTTTGGGT[CA>C]GGTGCCTTAGTGACCACGCGGTCTTTGTACAGAGTTACTACTTAGACAGAGAAGCTGGGC-3'